The following is an entry in ClinVar:

NM_001754.5(RUNX1):c.300C>G (p.Ser100=)

Gene: RUNX1 (RUNX family transcription factor 1; minus strand). Cytogenetic location: 21q22.12.
Variant type: single nucleotide variant.
Coding change: c.300C>G on transcript NM_001754.5 (MANE Select); coding-DNA position 300, C replaced by G.
Protein change: p.Ser100=; no amino-acid change (serine 100 retained).
Molecular consequence: synonymous variant.
Genome position (GRCh38, 1-based): chr21:34,886,894, G>C on the plus strand (C>G on the coding strand, the complement: RUNX1 is on the minus strand). VCF-style: chr21-34886894-G-C. GRCh37 (hg19) VCF-style: chr21-36259191-G-C.
Other names: NM_001754.5(RUNX1):c.300C>G; p.Ser100=; c.219C>G, p.Ser73= (NM_001001890.3, NM_001122607.2).
Identifiers: ClinVar variation 463991 (VCV000463991.10), dbSNP rs764387069, ClinGen allele CA512318845.

ClinVar aggregate classification (germline): Likely benign. Review status: reviewed by expert panel (3 of 4 stars). 3 submissions from 3 submitters: Likely benign (1). 2 of the submissions do not count toward it. Last evaluated 2022-07-07.

Conditions:
Inborn genetic diseases. Identifiers: MedGen C0950123, MeSH D030342.
Hereditary thrombocytopenia and hematological cancer predisposition syndrome associated with RUNX1. Also called: PLATELET DISORDER, ASPIRIN-LIKE; Familial Platelet Disorder with Propensity to Acute Myelogenous Leukemia; Familial thrombocytopenia with propensity to acute myelogenous leukemia; RUNX1 Familial Platelet Disorder with Associated Myeloid Malignancies. Identifiers: Orphanet 71290, MedGen C1832388, MeSH C563324, MONDO:0100083, OMIM 601399.
Hereditary thrombocytopenia and hematologic cancer predisposition syndrome. Identifiers: Orphanet 71290, MedGen CN281654, MONDO:0011071.

Allele frequency attached by ClinVar (database versions not stated): gnomAD 0.00001.
gnomAD v4.1: 3 of 1,613,556 alleles (0.00019%); highest among the groups gnomAD compares: South Asian, 0.0011%; no homozygotes.

Submissions (3):

ClinGen Myeloid Malignancy Variant Curation Expert Panel
Classification: Likely benign for Hereditary thrombocytopenia and hematologic cancer predisposition syndrome. Last evaluated: 2022-07-07. Review status: reviewed by expert panel. Criteria: ClinGen MyeloMalig ACMG Specifications v2. Collection method: curation. Allele origin: germline. Inheritance: Autosomal dominant inheritance.
Comment: NM_001754.5(RUNX1):c.300C>G (p.Ser100=) is a synonymous variant. In summary, this variant meets the criteria to be classified as likely benign. Therefore, a REVEL score is not calculable. SpliceAI prediction suggests Acceptor loss 0, Donor loss 0, Acceptor gain 0, Donor gain 0. Therefore, there appears to be no effect on splicing (BP4). Evolutionary conservation prediction algorithms predict the site as not being conserved (PhyloP score -0.302402 < 2.0)(BP7 ). This variant is completely absent from all population databases with at least 20x coverage for RUNX1(PM2_supporting). ACMG/AMP criteria applied, as specified by the Myeloid Malignancy Variant Curation Expert Panel for RUNX1: BP4, BP7, PM2_supporting.

Ambry Genetics
Classification: Likely benign for Inborn genetic diseases. Last evaluated: 2025-03-31. Review status: criteria provided, single submitter. Criteria: Ambry Variant Classification Scheme 2023. Collection method: clinical testing. Allele origin: germline. Not counted in ClinVar's aggregate classification.

Labcorp Genetics (formerly Invitae), Labcorp
Classification: Likely benign for Hereditary thrombocytopenia and hematological cancer predisposition syndrome associated with RUNX1. Last evaluated: 2022-10-20. Review status: criteria provided, single submitter. Criteria: Invitae Variant Classification Sherloc (09022015). Collection method: clinical testing. Allele origin: germline. Not counted in ClinVar's aggregate classification.